The following is an entry in ClinVar:

ClinVar aggregate classification (germline): Likely pathogenic (1 of 4 stars; one submission).

Conditions:
Becker muscular dystrophy, Cardiomyopathy, Duchenne muscular dystrophy, Dystrophin deficiency.

Submission:

Natera, Inc.
Classification: Likely pathogenic for Becker muscular dystrophy, Cardiomyopathy, Duchenne muscular dystrophy, Dystrophin deficiency. Last evaluated: 2025-01-10. Review status: criteria provided, single submitter. Criteria: Natera Variant Classification Schema (03/2026). Collection method: clinical testing. Allele origin: germline.
Comment: The c.7873-1G>A variant in DMD is a canonical splice acceptor site variant predicted to affect pre-mRNA splicing, which may result in an abnormal transcript and altered protein product. This variant is expected to result in nonsense mediated decay, truncation, or a dysfunctional protein product. This variant is rare in the general population with a frequency below the threshold expected for the associated phenotype(s). Given the available evidence, this variant is classified as Likely Pathogenic.

NM_004006.3(DMD):c.7873-1G>A

Gene: DMD (dystrophin; minus strand). Cytogenetic location: Xp21.1.
Variant type: single nucleotide variant.
Coding change: c.7873-1G>A on transcript NM_004006.3 (MANE Select); the canonical splice acceptor site of the intron before coding-DNA position 7873, G replaced by A.
Molecular consequence: splice acceptor variant.
Genome position (GRCh38, 1-based): chrX:31,658,145, C>T on the plus strand (G>A on the coding strand, the complement: DMD is on the minus strand). VCF-style: chrX-31658145-C-T. GRCh37 (hg19) VCF-style: chrX-31676262-C-T.
Other names: c.7849-1G>A (NM_000109.4); c.3850-1G>A (NM_004011.4); c.3841-1G>A (NM_004012.4); c.493-1G>A (NM_004023.3, NM_004020.4, NM_004022.3 and 2 more transcripts); c.7861-1G>A (NM_004009.3); c.7504-1G>A (NM_004010.3).
Identifiers: ClinVar variation 4066541 (VCV004066541.2).
Genomic context (GRCh38, chrX:31,658,145, plus strand): 5'-GGCCAAGTCATTTGCCACATCTACATTTGTCTGCCACTGGCGGAGGTCTTTGGCCAACTG[C>T]TATAGATTTTTATGAGAAAGAGAATGAATGTCAGTTTTTTTTATGAAATCTCTAGTTGGA-3'